The following is an entry in ClinVar:

NM_000051.4(ATM):c.6394C>T (p.Leu2132=)

Genes: ATM (ATM serine/threonine kinase; plus strand), C11orf65 (chromosome 11 open reading frame 65; minus strand). Cytogenetic location: 11q22.3.
Variant type: single nucleotide variant.
Coding change: c.6394C>T on transcript NM_000051.4 (MANE Select); coding-DNA position 6394, C replaced by T.
Protein change: p.Leu2132=; no amino-acid change (leucine 2132 retained).
Molecular consequence: synonymous variant. On other transcripts: intron variant (2).
Genome position (GRCh38, 1-based): chr11:108,320,000, C>T. VCF-style: chr11-108320000-C-T. GRCh37 (hg19) VCF-style: chr11-108190727-C-T.
Other names: c.6394C>T, p.Leu2132= (NM_001351834.2); c.641-10929G>A (NM_001330368.2); c.*39-10929G>A (NM_001351110.2).
Identifiers: ClinVar variation 453627 (VCV000453627.19), dbSNP rs551408889, ClinGen allele CA6265928.

ClinVar aggregate classification (germline): Benign/Likely benign. Review status: criteria provided, multiple submitters, no conflicts (2 of 4 stars). 4 submissions from 4 submitters: Benign (1); Likely benign (3). Last evaluated 2025-04-10.

Conditions:
Hereditary cancer-predisposing syndrome. Also called: Neoplastic Syndromes, Hereditary; Hereditary Cancer Syndrome; Tumor predisposition; Hereditary neoplastic syndrome. Identifiers: Orphanet 140162, MedGen C0027672, MeSH D009386, MONDO:0015356.
Ataxia-telangiectasia syndrome (AT). Also called: LOUIS-BAR SYNDROME; Cerebello-oculocutaneous telangiectasia; Immunodeficiency with ataxia telangiectasia; Ataxia-telangiectasia, complementation group D; AT, COMPLEMENTATION GROUP C; Ataxia-telangiectasia, complementation group E. Identifiers: Orphanet 100, MedGen C0004135, MONDO:0008840, OMIM 208900.
Familial cancer of breast. Also called: Hereditary breast cancer; BREAST CANCER, FAMILIAL; hereditary breast carcinoma. Identifiers: Orphanet 227535, MedGen C0346153, MONDO:0016419, OMIM 114480. Disease mechanism: loss of function.

Allele frequency attached by ClinVar (database versions not stated): ExAC 0.00001; gnomAD 0.00001; 1000 Genomes Project 30x 0.00016; 1000 Genomes Project 0.00020; gnomAD exomes 0.00001.
gnomAD v4.1: 3 of 1,612,672 alleles (0.00019%); highest among the groups gnomAD compares: Non-Finnish European, 0.00025%; no homozygotes.

Submissions (4):

Labcorp Genetics (formerly Invitae), Labcorp
Classification: Likely benign for Ataxia-telangiectasia syndrome. Last evaluated: 2025-04-10. Review status: criteria provided, single submitter. Criteria: Invitae Variant Classification Sherloc (09022015). Collection method: clinical testing. Allele origin: germline.

Myriad Genetics, Inc.
Classification: Benign for Familial cancer of breast. Last evaluated: 2024-06-06. Review status: criteria provided, single submitter. Criteria: Myriad Autosomal Dominant, Autosomal Recessive and X-Linked Classification Criteria (2023). Collection method: clinical testing. Allele origin: unknown.
Comment: This variant is considered benign. This variant is a silent/synonymous amino acid change and it is not expected to impact splicing.

Color Diagnostics, LLC DBA Color Health
Classification: Likely benign for Hereditary cancer-predisposing syndrome. Last evaluated: 2023-03-29. Review status: criteria provided, single submitter. Criteria: ACMG Guidelines, 2015. Collection method: clinical testing. Allele origin: germline.

Ambry Genetics
Classification: Likely benign for Hereditary cancer-predisposing syndrome. Last evaluated: 2019-03-12. Review status: criteria provided, single submitter. Criteria: Ambry Variant Classification Scheme 2023. Collection method: clinical testing. Allele origin: germline.